The following is an entry in ClinVar:

ClinVar aggregate classification (germline): Conflicting classifications of pathogenicity. Review status: criteria provided, conflicting classifications (1 of 4 stars). 3 submissions from 3 submitters: Uncertain significance (2); Likely benign (1). Last evaluated 2026-01-17.

Allele frequency attached by ClinVar (database versions not stated): TOPMed 0.00008; ExAC 0.00009; gnomAD exomes 0.00009; gnomAD 0.00011 and 0.00012; ESP Exome Variant Server 0.00015.
gnomAD v4.1: 122 of 1,614,008 alleles (0.0076%); highest among the groups gnomAD compares: Middle Eastern, 0.033%; no homozygotes.

Submissions (3):

Labcorp Genetics (formerly Invitae), Labcorp
Classification: Uncertain significance. Last evaluated: 2026-01-17. Review status: criteria provided, single submitter. Criteria: Invitae Variant Classification Sherloc (09022015). Collection method: clinical testing. Allele origin: germline.
Comment: This sequence change replaces alanine, which is neutral and non-polar, with threonine, which is neutral and polar, at codon 234 of the PITPNM3 protein (p.Ala234Thr). This variant is present in population databases (rs377533294, gnomAD 0.02%). This variant has not been reported in the literature in individuals affected with PITPNM3-related conditions. ClinVar contains an entry for this variant (Variation ID: 934302). Invitae Evidence Modeling of protein sequence and biophysical properties (such as structural, functional, and spatial information, amino acid conservation, physicochemical variation, residue mobility, and thermodynamic stability) indicates that this missense variant is not expected to disrupt PITPNM3 protein function with a negative predictive value of 80%. In summary, the available evidence is currently insufficient to determine the role of this variant in disease. Therefore, it has been classified as a Variant of Uncertain Significance.

Ambry Genetics
Classification: Uncertain significance. Last evaluated: 2025-11-08. Review status: criteria provided, single submitter. Criteria: Ambry Variant Classification Scheme 2023. Collection method: clinical testing. Allele origin: germline.

Blueprint Genetics
Classification: Likely benign. Last evaluated: 2021-09-18. Review status: criteria provided, single submitter. Criteria: ACMG Guidelines, 2015. Collection method: clinical testing. Allele origin: germline.

NM_031220.4(PITPNM3):c.700G>A (p.Ala234Thr)

Gene: PITPNM3 (PITPNM family member 3; minus strand). Cytogenetic location: 17p13.2.
Variant type: single nucleotide variant.
Coding change: c.700G>A on transcript NM_031220.4 (MANE Select); coding-DNA position 700, G replaced by A.
Protein change: p.Ala234Thr; replaces alanine 234 with threonine.
Molecular consequence: missense variant.
Genome position (GRCh38, 1-based): chr17:6,478,624, C>T on the plus strand (G>A on the coding strand, the complement: PITPNM3 is on the minus strand). VCF-style: chr17-6478624-C-T. GRCh37 (hg19) VCF-style: chr17-6381944-C-T.
Other names: c.592G>A, p.Ala198Thr (NM_001165966.2); short protein forms A234T, A198T.
Identifiers: ClinVar variation 934302 (VCV000934302.10), dbSNP rs377533294, ClinGen allele CA8329767.
Genomic context (GRCh38, chr17:6,478,624, plus strand): 5'-TCCCATCAGAGGACTTCAGGAACTCTCTGTAGACCTGGTTGGCTCGCTCGATGACGGTGG[C>T]GACAGCATCCTGGTACTGCGGGGAGGAGATGGCCAACAGGGGAAGGGCGGCCAGAGGGAC-3'
Protein context (NP_112497.2, residues 224-244): ISSPQYQDAV[Ala234Thr]TVIERANQVY